The following is an entry in ClinVar:

ClinVar aggregate classification (germline): Uncertain significance (1 of 4 stars; one submission).

Submission:

GeneDx
Classification: Uncertain significance. Last evaluated: 2022-04-20. Review status: criteria provided, single submitter. Criteria: GeneDx Variant Classification Process June 2021. Collection method: clinical testing. Allele origin: germline. Affected: yes.
Comment: Not observed at significant frequency in large population cohorts (gnomAD); In silico analysis supports that this missense variant does not alter protein structure/function; Has not been previously published as pathogenic or benign to our knowledge

NM_138615.3(DHX30):c.1325C>T (p.Thr442Ile)

Gene: DHX30 (DExH-box helicase 30; plus strand). Cytogenetic location: 3p21.31.
Variant type: single nucleotide variant.
Coding change: c.1325C>T on transcript NM_138615.3 (MANE Select); coding-DNA position 1325, C replaced by T.
Protein change: p.Thr442Ile; replaces threonine 442 with isoleucine.
Molecular consequence: missense variant.
Genome position (GRCh38, 1-based): chr3:47,846,397, C>T. VCF-style: chr3-47846397-C-T. GRCh37 (hg19) VCF-style: chr3-47887887-C-T.
Other names: c.1241C>T, p.Thr414Ile (NM_001330990.2); c.1208C>T, p.Thr403Ile (NM_014966.4); short protein forms T403I, T414I, T442I.
Identifiers: ClinVar variation 1712200 (VCV001712200.2), dbSNP rs1294217709, ClinGen allele CA352586136.